The following is an entry in ClinVar:

NM_017636.4(TRPM4):c.23A>T (p.Gln8Leu)

Gene: TRPM4 (transient receptor potential cation channel subfamily M member 4; plus strand). Cytogenetic location: 19q13.33.
Variant type: single nucleotide variant.
Coding change: c.23A>T on transcript NM_017636.4 (MANE Select); coding-DNA position 23, A replaced by T.
Protein change: p.Gln8Leu; replaces glutamine 8 with leucine.
Molecular consequence: missense variant. On other transcripts: 5 prime UTR variant (3).
Genome position (GRCh38, 1-based): chr19:49,157,889, A>T. VCF-style: chr19-49157889-A-T. GRCh37 (hg19) VCF-style: chr19-49661146-A-T.
Other names: c.23A>T, p.Gln8Leu (NM_001195227.2, NM_001321281.2); c.-1350A>T (NM_001321282.2); c.-144A>T (NM_001321283.2); c.-307A>T (NM_001321285.2); short protein forms Q8L.
Identifiers: ClinVar variation 387522 (VCV000387522.3), dbSNP rs1057522811, ClinGen allele CA16608288.

ClinVar aggregate classification (germline): Uncertain significance. Review status: criteria provided, multiple submitters, no conflicts (2 of 4 stars). 2 submissions from 2 submitters: Uncertain significance (2). Last evaluated 2021-08-13.

Conditions:
Progressive familial heart block type IB (PFHB1B). Identifiers: Orphanet 871, MedGen C1970298, MONDO:0011474, OMIM 604559.
Erythrokeratodermia variabilis et progressiva 6. Identifiers: MedGen C5193144, MONDO:0032801, OMIM 618531.

Allele frequency attached by ClinVar (database versions not stated): gnomAD exomes below 0.00001.
gnomAD v4.1: 1 of 1,535,180 alleles (0.000065%); highest among the groups gnomAD compares: Non-Finnish European, 0.000087%; no homozygotes.

Submissions (2):

Fulgent Genetics
Classification: Uncertain significance for Progressive familial heart block type IB; Erythrokeratodermia variabilis et progressiva 6. Last evaluated: 2021-08-13. Review status: criteria provided, single submitter. Criteria: ACMG Guidelines, 2015. Collection method: clinical testing. Allele origin: unknown.

GeneDx
Classification: Uncertain significance. Last evaluated: 2016-07-01. Review status: criteria provided, single submitter. Criteria: GeneDx Variant Classification (06012015). Collection method: clinical testing. Allele origin: germline. Affected: yes.
Comment: The Q8L variant in the TRPM4 gene has not been reported previously as a pathogenic variant, nor as a benign variant, to our knowledge. The Q8L variant was not observed in approximately 5,600 individuals of European and African American ancestry in the NHLBI Exome Sequencing Project, indicating it is not a common benign variant in these populations. The Q8L variant is a non-conservative amino acid substitution, which is likely to impact secondary protein structure as these residues differ in polarity, charge, size and/or other properties. A missense variant in a nearby residue (E7K) has been reported in the Human Gene Mutation Database in association with heart block (Stenson et al., 2014). However, this substitution occurs at a position that is not conserved. In silico analysis is inconsistent in its predictions as to whether or not the variant is damaging to the protein structure/function. We interpret Q8L as a variant of uncertain significance.